The following is an entry in ClinVar:

NM_021625.5(TRPV4):c.134G>T (p.Gly45Val)

Gene: TRPV4 (transient receptor potential cation channel subfamily V member 4; minus strand). Cytogenetic location: 12q24.11.
Variant type: single nucleotide variant.
Coding change: c.134G>T on transcript NM_021625.5 (MANE Select); coding-DNA position 134, G replaced by T.
Protein change: p.Gly45Val; replaces glycine 45 with valine.
Molecular consequence: missense variant. On other transcripts: intron variant (1).
Genome position (GRCh38, 1-based): chr12:109,814,663, C>A on the plus strand (G>T on the coding strand, the complement: TRPV4 is on the minus strand). VCF-style: chr12-109814663-C-A. GRCh37 (hg19) VCF-style: chr12-110252468-C-A.
Other names: c.134G>T, p.Gly45Val (NM_001177428.2, NM_001177433.2, NM_147204.3); c.80-48G>T (NM_001177431.1); short protein forms G45V.
Identifiers: ClinVar variation 3715072 (VCV003715072.2).

ClinVar aggregate classification (germline): Uncertain significance (1 of 4 stars; one submission).

Conditions:
Charcot-Marie-Tooth disease axonal type 2C (HMSN2C). Also called: CHARCOT-MARIE-TOOTH DISEASE, AXONAL, AUTOSOMAL DOMINANT, TYPE 2C; Charcot-Marie-Tooth Neuropathy Type 2C; Charcot-Marie-Tooth Disease Type 2, TRPV4-Related (CMT2C). Identifiers: Orphanet 99937, MedGen C1853710, MONDO:0011633, OMIM 606071.

gnomAD v4.1: 1 of 1,613,130 alleles (0.000062%); highest among the groups gnomAD compares: Non-Finnish European, 0.000085%; no homozygotes.

Submission:

Labcorp Genetics (formerly Invitae), Labcorp
Classification: Uncertain significance for Charcot-Marie-Tooth disease axonal type 2C. Last evaluated: 2024-03-28. Review status: criteria provided, single submitter. Criteria: Invitae Variant Classification Sherloc (09022015). Collection method: clinical testing. Allele origin: germline.
Comment: This sequence change replaces glycine, which is neutral and non-polar, with valine, which is neutral and non-polar, at codon 45 of the TRPV4 protein (p.Gly45Val). This variant is present in population databases (no rsID available, gnomAD 0.0009%). This variant has not been reported in the literature in individuals affected with TRPV4-related conditions. Advanced modeling of protein sequence and biophysical properties (such as structural, functional, and spatial information, amino acid conservation, physicochemical variation, residue mobility, and thermodynamic stability) performed at Invitae indicates that this missense variant is not expected to disrupt TRPV4 protein function with a negative predictive value of 95%. In summary, the available evidence is currently insufficient to determine the role of this variant in disease. Therefore, it has been classified as a Variant of Uncertain Significance.